The following is an entry in ClinVar:

NM_005876.5(SPEG):c.6450G>A (p.Glu2150=)

Genes: ASIC4-AS1 (ASIC4 antisense RNA 1; minus strand), SPEG (striated muscle enriched protein kinase; plus strand). Cytogenetic location: 2q35.
Variant type: single nucleotide variant.
Coding change: c.6450G>A on transcript NM_005876.5 (MANE Select); coding-DNA position 6450, G replaced by A.
Protein change: p.Glu2150=; no amino-acid change (glutamic acid 2150 retained).
Molecular consequence: synonymous variant.
Genome position (GRCh38, 1-based): chr2:219,483,913, G>A. VCF-style: chr2-219483913-G-A. GRCh37 (hg19) VCF-style: chr2-220348635-G-A.
Identifiers: ClinVar variation 2651925 (VCV002651925.24), dbSNP rs1420764025, ClinGen allele CA431430287.

ClinVar aggregate classification (germline): Likely benign (1 of 4 stars; one submission).

Allele frequency attached by ClinVar (database versions not stated): TOPMed 0.00001.
gnomAD v4.1: 10 of 1,603,146 alleles (0.00062%); highest among the groups gnomAD compares: Non-Finnish European, 0.00076%; no homozygotes.

Submission:

CeGaT Center for Human Genetics Tuebingen
Classification: Likely benign. Last evaluated: 2023-09-01. Review status: criteria provided, single submitter. Criteria: CeGaT Center For Human Genetics Tuebingen Variant Classification Criteria Version 2. Collection method: clinical testing. Allele origin: germline. Affected: yes. Observed: 1 variant allele.
Comment: SPEG: BP4, BP7